The following is an entry in ClinVar:

NM_022168.4(IFIH1):c.2345A>G (p.Lys782Arg)

Gene: IFIH1 (interferon induced with helicase C domain 1; minus strand). Cytogenetic location: 2q24.2.
Variant type: single nucleotide variant.
Coding change: c.2345A>G on transcript NM_022168.4 (MANE Select); coding-DNA position 2345, A replaced by G.
Protein change: p.Lys782Arg; replaces lysine 782 with arginine.
Molecular consequence: missense variant.
Genome position (GRCh38, 1-based): chr2:162,273,904, T>C on the plus strand (A>G on the coding strand, the complement: IFIH1 is on the minus strand). VCF-style: chr2-162273904-T-C. GRCh37 (hg19) VCF-style: chr2-163130414-T-C.
Other names: short protein forms K782R.
Identifiers: ClinVar variation 1448545 (VCV001448545.6), dbSNP rs2105193747, ClinGen allele CA348995992.

ClinVar aggregate classification (germline): Uncertain significance (1 of 4 stars; one submission).

Conditions:
Singleton-Merten syndrome 1 (SGMRT1). Also called: Widened medullary cavities of bone, aortic calcification, abnormal dentition, and muscular weakness; Syndrome of widened medullary cavities of the metacarpals and phalanges, aortic calcification and abnormal dentition. Identifiers: Orphanet 85191, MedGen C4225427, MONDO:0024535, OMIM 182250.
Aicardi-Goutieres syndrome 7 (AGS7). Identifiers: Orphanet 51, MedGen C3888244, MONDO:0014367, OMIM 615846.

Submission:

Labcorp Genetics (formerly Invitae), Labcorp
Classification: Uncertain significance for Aicardi-Goutieres syndrome 7; Singleton-Merten syndrome 1. Last evaluated: 2021-11-01. Review status: criteria provided, single submitter. Criteria: Invitae Variant Classification Sherloc (09022015). Collection method: clinical testing. Allele origin: germline.
Comment: Algorithms developed to predict the effect of missense changes on protein structure and function (SIFT, PolyPhen-2, Align-GVGD) all suggest that this variant is likely to be tolerated. In summary, the available evidence is currently insufficient to determine the role of this variant in disease. Therefore, it has been classified as a Variant of Uncertain Significance. This variant has not been reported in the literature in individuals affected with IFIH1-related conditions. This sequence change replaces lysine, which is basic and polar, with arginine, which is basic and polar, at codon 782 of the IFIH1 protein (p.Lys782Arg). This variant is not present in population databases (gnomAD no frequency).